The following is an entry in ClinVar:

NM_003737.4(DCHS1):c.4445C>G (p.Pro1482Arg)

Gene: DCHS1 (dachsous cadherin-related 1; minus strand). Cytogenetic location: 11p15.4.
Variant type: single nucleotide variant.
Coding change: c.4445C>G on transcript NM_003737.4 (MANE Select); coding-DNA position 4445, C replaced by G.
Protein change: p.Pro1482Arg; replaces proline 1482 with arginine.
Molecular consequence: missense variant.
Genome position (GRCh38, 1-based): chr11:6,630,349, G>C on the plus strand (C>G on the coding strand, the complement: DCHS1 is on the minus strand). VCF-style: chr11-6630349-G-C. GRCh37 (hg19) VCF-style: chr11-6651580-G-C.
Other names: short protein forms P1482R.
Identifiers: ClinVar variation 2728128 (VCV002728128.3), dbSNP rs2134625845, ClinGen allele CA379404951.
Genomic context (GRCh38, chr11:6,630,349, plus strand): 5'-TCCAGGCCGCGCGGAGCGCTGAGCGCCCCGGTGCGCGCGTCCAGGCGAAGCGCCGGCACG[G>C]GCGGCTCCTGGCGCAGCAGGCGGTAGCGCACGTCGCTATTGGGGCCGGGGCCGTCGGCGT-3'
Protein context (NP_003728.1, residues 1472-1492): VRYRLLRQEP[Pro1482Arg]VPALRLDART

ClinVar aggregate classification (germline): Uncertain significance (1 of 4 stars; one submission).

Allele frequency attached by ClinVar (database versions not stated): gnomAD 0.00001; 1000 Genomes Project 30x 0.00016.
gnomAD v4.1: 1 of 1,311,626 alleles (0.000076%); highest among the groups gnomAD compares: African/African-American, 0.0016%; no homozygotes.

Submission:

Labcorp Genetics (formerly Invitae), Labcorp
Classification: Uncertain significance. Last evaluated: 2024-01-15. Review status: criteria provided, single submitter. Criteria: Invitae Variant Classification Sherloc (09022015). Collection method: clinical testing. Allele origin: germline.
Comment: This sequence change replaces proline, which is neutral and non-polar, with arginine, which is basic and polar, at codon 1482 of the DCHS1 protein (p.Pro1482Arg). This variant is not present in population databases (gnomAD no frequency). This variant has not been reported in the literature in individuals affected with DCHS1-related conditions. Advanced modeling of protein sequence and biophysical properties (such as structural, functional, and spatial information, amino acid conservation, physicochemical variation, residue mobility, and thermodynamic stability) performed at Invitae indicates that this missense variant is expected to disrupt DCHS1 protein function with a positive predictive value of 80%. In summary, the available evidence is currently insufficient to determine the role of this variant in disease. Therefore, it has been classified as a Variant of Uncertain Significance.